The following is an entry in ClinVar:

ClinVar aggregate classification (germline): Uncertain significance (1 of 4 stars; one submission).

Conditions:
Cardiovascular phenotype. Identifiers: MedGen CN230736.

Submission:

Ambry Genetics
Classification: Uncertain significance for Cardiovascular phenotype. Last evaluated: 2024-09-04. Review status: criteria provided, single submitter. Criteria: Ambry Variant Classification Scheme 2023. Collection method: clinical testing. Allele origin: germline.
Comment: The p.T49R variant (also known as c.146C>G), located in coding exon 2 of the LPL gene, results from a C to G substitution at nucleotide position 146. The threonine at codon 49 is replaced by arginine, an amino acid with similar properties. This amino acid position is conserved. In addition, the in silico prediction for this alteration is inconclusive. Based on the available evidence, the clinical significance of this variant remains unclear.

NM_000237.3(LPL):c.146C>G (p.Thr49Arg)

Gene: LPL (lipoprotein lipase; plus strand). Cytogenetic location: 8p21.3.
Variant type: single nucleotide variant.
Coding change: c.146C>G on transcript NM_000237.3 (MANE Select); coding-DNA position 146, C replaced by G.
Protein change: p.Thr49Arg; replaces threonine 49 with arginine.
Molecular consequence: missense variant.
Genome position (GRCh38, 1-based): chr8:19,948,237, C>G. VCF-style: chr8-19948237-C-G. GRCh37 (hg19) VCF-style: chr8-19805748-C-G.
Other names: short protein forms T49R.
Identifiers: ClinVar variation 3539215 (VCV003539215.1).